The following is an entry in ClinVar:

NM_014055.4(IFT81):c.117T>G (p.Ser39Arg)

Gene: IFT81 (intraflagellar transport 81; plus strand). Cytogenetic location: 12q24.11.
Variant type: single nucleotide variant.
Coding change: c.117T>G on transcript NM_014055.4 (MANE Select); coding-DNA position 117, T replaced by G.
Protein change: p.Ser39Arg; replaces serine 39 with arginine.
Molecular consequence: missense variant. On other transcripts: 5 prime UTR variant (2), non-coding transcript variant (4).
Genome position (GRCh38, 1-based): chr12:110,127,497, T>G. VCF-style: chr12-110127497-T-G. GRCh37 (hg19) VCF-style: chr12-110565302-T-G.
Other names: c.117T>G, p.Ser39Arg (NM_001143779.2, NM_001347946.2, NM_031473.4); c.-650T>G (NM_001347947.2, NM_001347948.2); short protein forms S39R.
Identifiers: ClinVar variation 1954136 (VCV001954136.5), dbSNP rs2499775590, ClinGen allele CA386906617.
Genomic context (GRCh38, chr12:110,127,497, plus strand): 5'-GAACTATAATTTAATCACGTTTGATTCCTTGGAGCCAATGCAACTATTACAAGTTCTCAG[T>G]GATGTTCTGGCTGAGATTGACCCAAAGGTAAGAGTTTTCTCTTTCTTTTTGATGGGTAGC-3'
Protein context (NP_054774.2, residues 29-49): LEPMQLLQVL[Ser39Arg]DVLAEIDPKQ

ClinVar aggregate classification (germline): Uncertain significance (1 of 4 stars; one submission).

Submission:

Labcorp Genetics (formerly Invitae), Labcorp
Classification: Uncertain significance. Last evaluated: 2022-08-08. Review status: criteria provided, single submitter. Criteria: Invitae Variant Classification Sherloc (09022015). Collection method: clinical testing. Allele origin: germline.
Comment: This variant has not been reported in the literature in individuals affected with IFT81-related conditions. This sequence change replaces serine, which is neutral and polar, with arginine, which is basic and polar, at codon 39 of the IFT81 protein (p.Ser39Arg). This variant is not present in population databases (gnomAD no frequency). Algorithms developed to predict the effect of missense changes on protein structure and function are either unavailable or do not agree on the potential impact of this missense change (SIFT: "Deleterious"; PolyPhen-2: "Benign"; Align-GVGD: "Class C25"). In summary, the available evidence is currently insufficient to determine the role of this variant in disease. Therefore, it has been classified as a Variant of Uncertain Significance.